The following is an entry in ClinVar:

NM_001481.3(DRC4):c.1169C>A (p.Ala390Asp)

Gene: DRC4 (dynein regulatory complex subunit 4; plus strand). Cytogenetic location: 16q24.3.
Variant type: single nucleotide variant.
Coding change: c.1169C>A on transcript NM_001481.3 (MANE Select); coding-DNA position 1169, C replaced by A.
Protein change: p.Ala390Asp; replaces alanine 390 with aspartic acid.
Molecular consequence: missense variant.
Genome position (GRCh38, 1-based): chr16:90,040,457, C>A. VCF-style: chr16-90040457-C-A. GRCh37 (hg19) VCF-style: chr16-90106865-C-A.
Other names: c.920C>A, p.Ala307Asp (NM_001286205.2); c.593C>A, p.Ala198Asp (NM_001286208.2); c.1094C>A, p.Ala365Asp (NM_001286209.2); short protein forms A390D, A198D, A307D, A365D.
Identifiers: ClinVar variation 1497204 (VCV001497204.5), dbSNP rs1452970741, ClinGen allele CA397470675.

ClinVar aggregate classification (germline): Uncertain significance (1 of 4 stars; one submission).

Conditions:
Primary ciliary dyskinesia 33. Also called: CILIARY DYSKINESIA, PRIMARY, 33, WITHOUT SITUS INVERSUS. Identifiers: Orphanet 244, MedGen C4225230, MONDO:0014750, OMIM 616726.

Allele frequency attached by ClinVar (database versions not stated): gnomAD exomes 0.00007 and 0.00001; TOPMed below 0.00001; gnomAD 0.00001.
gnomAD v4.1: 101 of 1,610,388 alleles (0.0063%); highest among the groups gnomAD compares: Non-Finnish European, 0.0085%; 1 homozygote.

Submission:

Labcorp Genetics (formerly Invitae), Labcorp
Classification: Uncertain significance for Primary ciliary dyskinesia 33. Last evaluated: 2021-09-01. Review status: criteria provided, single submitter. Criteria: Invitae Variant Classification Sherloc (09022015). Collection method: clinical testing. Allele origin: germline.
Comment: This sequence change replaces alanine with aspartic acid at codon 390 of the GAS8 protein (p.Ala390Asp). The alanine residue is moderately conserved and there is a moderate physicochemical difference between alanine and aspartic acid. This variant is not present in population databases (ExAC no frequency). This variant has not been reported in the literature in individuals affected with GAS8-related conditions. Algorithms developed to predict the effect of missense changes on protein structure and function are either unavailable or do not agree on the potential impact of this missense change (SIFT: "Deleterious"; PolyPhen-2: "Possibly Damaging"; Align-GVGD: "Class C0"). In summary, the available evidence is currently insufficient to determine the role of this variant in disease. Therefore, it has been classified as a Variant of Uncertain Significance.